The following is an entry in ClinVar:

ClinVar aggregate classification (germline): Uncertain significance. Review status: criteria provided, multiple submitters, no conflicts (2 of 4 stars). 3 submissions from 3 submitters: Uncertain significance (3). Last evaluated 2025-08-25.

Conditions:
TRIP13-related disorder. Also called: TRIP13-related condition.

Allele frequency attached by ClinVar (database versions not stated): gnomAD exomes 0.00001; TOPMed 0.00001; gnomAD 0.00001.
gnomAD v4.1: 12 of 1,613,248 alleles (0.00074%); highest among the groups gnomAD compares: Non-Finnish European, 0.00093%; no homozygotes.

Submissions (3):

Ambry Genetics
Classification: Uncertain significance. Last evaluated: 2025-08-25. Review status: criteria provided, single submitter. Criteria: Ambry Variant Classification Scheme 2023. Collection method: clinical testing. Allele origin: germline.

Labcorp Genetics (formerly Invitae), Labcorp
Classification: Uncertain significance. Last evaluated: 2025-08-13. Review status: criteria provided, single submitter. Criteria: Invitae Variant Classification Sherloc (09022015). Collection method: clinical testing. Allele origin: germline.
Comment: This sequence change replaces isoleucine, which is neutral and non-polar, with valine, which is neutral and non-polar, at codon 330 of the TRIP13 protein (p.Ile330Val). This variant is present in population databases (no rsID available, gnomAD 0.002%). This variant has not been reported in the literature in individuals affected with TRIP13-related conditions. ClinVar contains an entry for this variant (Variation ID: 2636923). An algorithm developed to predict the effect of missense changes on protein structure and function (PolyPhen-2) suggests that this variant is likely to be tolerated. In summary, the available evidence is currently insufficient to determine the role of this variant in disease. Therefore, it has been classified as a Variant of Uncertain Significance.

PreventionGenetics, part of Exact Sciences
Classification: Uncertain significance for TRIP13-related condition. Last evaluated: 2022-11-02. Review status: criteria provided, single submitter. Criteria: ACMG Guidelines, 2015. Collection method: clinical testing. Allele origin: germline.
Comment: The TRIP13 c.988A>G variant is predicted to result in the amino acid substitution p.Ile330Val. To our knowledge, this variant has not been reported in the literature. This variant is reported in 0.0023% of alleles in individuals of European (Non-Finnish) descent in gnomAD. At this time, the clinical significance of this variant is uncertain due to the absence of conclusive functional and genetic evidence.

NM_004237.4(TRIP13):c.988A>G (p.Ile330Val)

Gene: TRIP13 (thyroid hormone receptor interactor 13; plus strand). Cytogenetic location: 5p15.33.
Variant type: single nucleotide variant.
Coding change: c.988A>G on transcript NM_004237.4 (MANE Select); coding-DNA position 988, A replaced by G.
Protein change: p.Ile330Val; replaces isoleucine 330 with valine.
Molecular consequence: missense variant.
Genome position (GRCh38, 1-based): chr5:911,964, A>G. VCF-style: chr5-911964-A-G. GRCh37 (hg19) VCF-style: chr5-912079-A-G.
Other names: short protein forms I330V.
Identifiers: ClinVar variation 2636923 (VCV002636923.4), dbSNP rs1035323563, ClinGen allele CA112874850.
Genomic context (GRCh38, chr5:911,964, plus strand): 5'-GTGGACAGGGCTGACATCAAGCAGTACATTGGGCCACCCTCTGCAGCAGCCATCTTCAAA[A>G]TCTACCTCTCTTGTTTGGAAGAACTGATGAAGGTACCTTTATTTTTTTTTTCCTCTTGAT-3'
Protein context (NP_004228.1, residues 320-340): GPPSAAAIFK[Ile330Val]YLSCLEELMK